The following is an entry in ClinVar:

NM_001005242.3(PKP2):c.193G>A (p.Ala65Thr)

Gene: PKP2 (plakophilin 2; minus strand). Cytogenetic location: 12p11.21.
Variant type: single nucleotide variant.
Coding change: c.193G>A on transcript NM_001005242.3 (MANE Select); coding-DNA position 193, G replaced by A.
Protein change: p.Ala65Thr; replaces alanine 65 with threonine.
Molecular consequence: missense variant. On other transcripts: 5 prime UTR variant (4).
Genome position (GRCh38, 1-based): chr12:32,896,539, C>T on the plus strand (G>A on the coding strand, the complement: PKP2 is on the minus strand). VCF-style: chr12-32896539-C-T. GRCh37 (hg19) VCF-style: chr12-33049473-C-T.
Other names: c.193G>A, p.Ala65Thr (NM_001407155.1, NM_001407156.1, NM_001407157.1 and 2 more transcripts); c.-634G>A (NM_001407158.1, NM_001407162.1); c.-398G>A (NM_001407159.1, NM_001407160.1); short protein forms A65T.
Identifiers: ClinVar variation 3071457 (VCV003071457.1), dbSNP rs143323961, ClinGen allele CA384370680.

ClinVar aggregate classification (germline): Uncertain significance (1 of 4 stars; one submission).

Conditions:
Arrhythmogenic right ventricular cardiomyopathy (ARVD). Also called: Arrhythmogenic right ventricular dysplasia; Cardiomyopathy, ARVC; Arrhythmogenic cardiomyopathy; Arrhythmogenic Right Ventricular Cardiomyopathy (ARVC). Identifiers: Orphanet 247, MedGen C0349788, MeSH D019571, MONDO:0016587. Disease mechanism: loss of function. Inheritance: Various modes of inheritance.

gnomAD v4.1: 3 of 1,572,932 alleles (0.00019%); highest among the groups gnomAD compares: South Asian, 0.0011%; no homozygotes.

Submission:

All of Us Research Program, National Institutes of Health
Classification: Uncertain significance for Arrhythmogenic right ventricular cardiomyopathy. Last evaluated: 2023-06-27. Review status: criteria provided, single submitter. Criteria: ACMG Guidelines, 2015. Collection method: clinical testing. Allele origin: germline. Inheritance: Autosomal dominant inheritance. Observed: 1 variant allele, 1 heterozygote.
Comment: This study involves interpretation of variants in research participants for the purpose of population health screening. Participant phenotype was not available at the time of variant classification. Additional details can be found in publication PMID: 35346344, PMCID: PMC8962531